The following is an entry in ClinVar:

ClinVar aggregate classification (germline): Uncertain significance (1 of 4 stars; one submission).

Conditions:
COG5-congenital disorder of glycosylation. Also called: CONGENITAL DISORDER OF GLYCOSYLATION, TYPE IIi; CDG IIi; COG5-CDG. Identifiers: Orphanet 263487, MedGen C3150876, MONDO:0013325, OMIM 613612.

Allele frequency attached by ClinVar (database versions not stated): gnomAD exomes below 0.00001; gnomAD 0.00001; 1000 Genomes Project 30x 0.00016; 1000 Genomes Project 0.00020.
gnomAD v4.1: 3 of 1,613,232 alleles (0.00019%); highest among the groups gnomAD compares: East Asian, 0.0045%; no homozygotes.

Submission:

Labcorp Genetics (formerly Invitae), Labcorp
Classification: Uncertain significance for COG5-congenital disorder of glycosylation. Last evaluated: 2022-08-15. Review status: criteria provided, single submitter. Criteria: Invitae Variant Classification Sherloc (09022015). Collection method: clinical testing. Allele origin: germline.
Comment: This sequence change replaces phenylalanine, which is neutral and non-polar, with cysteine, which is neutral and slightly polar, at codon 726 of the COG5 protein (p.Phe726Cys). This variant is not present in population databases (gnomAD no frequency). This variant has not been reported in the literature in individuals affected with COG5-related conditions. ClinVar contains an entry for this variant (Variation ID: 1374820). Algorithms developed to predict the effect of missense changes on protein structure and function (SIFT, PolyPhen-2, Align-GVGD) all suggest that this variant is likely to be tolerated. In summary, the available evidence is currently insufficient to determine the role of this variant in disease. Therefore, it has been classified as a Variant of Uncertain Significance.

NM_006348.5(COG5):c.2084T>G (p.Phe695Cys)

Gene: COG5 (component of oligomeric golgi complex 5; minus strand). Cytogenetic location: 7q22.3.
Variant type: single nucleotide variant.
Coding change: c.2084T>G on transcript NM_006348.5 (MANE Select); coding-DNA position 2084, T replaced by G.
Protein change: p.Phe695Cys; replaces phenylalanine 695 with cysteine.
Molecular consequence: missense variant. On other transcripts: intron variant (1).
Genome position (GRCh38, 1-based): chr7:107,236,457, A>C on the plus strand (T>G on the coding strand, the complement: COG5 is on the minus strand). VCF-style: chr7-107236457-A-C. GRCh37 (hg19) VCF-style: chr7-106876902-A-C.
Other names: c.2084T>G, p.Phe695Cys (NM_001161520.2, NM_001379513.1); c.1922T>G, p.Phe641Cys (NM_001379511.1); c.1910T>G, p.Phe637Cys (NM_001379512.1); c.1514T>G, p.Phe505Cys (NM_001379515.1); c.1370T>G, p.Phe457Cys (NM_001379516.1); c.2021T>G, p.Phe674Cys (NM_181733.4); c.1853+11939T>G (NM_001379514.1); short protein forms F457C, F695C, F505C, F637C, F674C, F641C.
Identifiers: ClinVar variation 1374820 (VCV001374820.3), dbSNP rs199526957, ClinGen allele CA164682316.